The following is an entry in ClinVar:

ClinVar aggregate classification (germline): Uncertain significance. Review status: criteria provided, multiple submitters, no conflicts (2 of 4 stars). 5 submissions from 5 submitters: Uncertain significance (5). Last evaluated 2026-01-13.

Conditions:
DIAPH1-related disorder. Also called: DIAPH1-related condition.
Autosomal dominant nonsyndromic hearing loss 1. Also called: KONIGSMARK SYNDROME; DEAFNESS, AUTOSOMAL DOMINANT 1, WITH OR WITHOUT THROMBOCYTOPENIA. Identifiers: Orphanet 90635, MedGen C1852282, MONDO:0007424, OMIM 124900.
Inborn genetic diseases. Identifiers: MedGen C0950123, MeSH D030342.
Progressive microcephaly-seizures-cortical blindness-developmental delay syndrome. Also called: Seizures, cortical blindness, and microcephaly syndrome. Identifiers: Orphanet 477814, MedGen C5567650, MONDO:0014714, OMIM 616632.

Allele frequency attached by ClinVar (database versions not stated): TOPMed 0.00011; gnomAD 0.00015 and 0.00017; 1000 Genomes Project 30x 0.00016; 1000 Genomes Project 0.00020; gnomAD exomes 0.00001 and 0.00007; ExAC 0.00002; ESP Exome Variant Server 0.00008.
gnomAD v4.1: 119 of 1,613,576 alleles (0.0074%); highest among the groups gnomAD compares: African/African-American, 0.049%; 1 homozygote.

Submissions (5):

PreventionGenetics, part of Exact Sciences
Classification: Uncertain significance for DIAPH1-related condition. Last evaluated: 2026-01-13. Review status: criteria provided, single submitter. Criteria: ACMG Guidelines, 2015. Collection method: clinical testing. Allele origin: germline.
Comment: The DIAPH1 c.343G>A variant is predicted to result in the amino acid substitution p.Glu115Lys. To our knowledge, this variant has not been reported in the literature. This variant is reported in 0.025% of alleles in individuals of African descent in gnomAD. At this time, the clinical significance of this variant is uncertain due to the absence of conclusive functional and genetic evidence.

Labcorp Genetics (formerly Invitae), Labcorp
Classification: Uncertain significance for Progressive microcephaly-seizures-cortical blindness-developmental delay syndrome; Autosomal dominant nonsyndromic hearing loss 1. Last evaluated: 2026-01-02. Review status: criteria provided, single submitter. Criteria: Invitae Variant Classification Sherloc (09022015). Collection method: clinical testing. Allele origin: germline.
Comment: This sequence change replaces glutamic acid, which is acidic and polar, with lysine, which is basic and polar, at codon 115 of the DIAPH1 protein (p.Glu115Lys). This variant is present in population databases (rs371994484, gnomAD 0.02%). This variant has not been reported in the literature in individuals affected with DIAPH1-related conditions. ClinVar contains an entry for this variant (Variation ID: 286093). Experimental studies and prediction algorithms are not available or were not evaluated, and the functional significance of this variant is currently unknown. In summary, the available evidence is currently insufficient to determine the role of this variant in disease. Therefore, it has been classified as a Variant of Uncertain Significance.

Ambry Genetics
Classification: Uncertain significance for Inborn genetic diseases. Last evaluated: 2021-11-12. Review status: criteria provided, single submitter. Criteria: Ambry Variant Classification Scheme 2023. Collection method: clinical testing. Allele origin: germline.

Illumina Laboratory Services, Illumina
Classification: Uncertain significance for Autosomal dominant nonsyndromic hearing loss 1. Last evaluated: 2018-01-13. Review status: criteria provided, single submitter. Criteria: ICSL Variant Classification Criteria 13 December 2019. Collection method: clinical testing. Allele origin: germline.

Eurofins Ntd Llc (ga)
Classification: Uncertain significance. Last evaluated: 2018-01-09. Review status: criteria provided, single submitter. Criteria: EGL Classification Definitions 2015. Collection method: clinical testing. Allele origin: germline. Observed: 1 variant allele, 1 heterozygote.

NM_005219.5(DIAPH1):c.343G>A (p.Glu115Lys)

Gene: DIAPH1 (diaphanous related formin 1; minus strand). Cytogenetic location: 5q31.3.
Variant type: single nucleotide variant.
Coding change: c.343G>A on transcript NM_005219.5 (MANE Select); coding-DNA position 343, G replaced by A.
Protein change: p.Glu115Lys; replaces glutamic acid 115 with lysine.
Molecular consequence: missense variant.
Genome position (GRCh38, 1-based): chr5:141,584,183, C>T on the plus strand (G>A on the coding strand, the complement: DIAPH1 is on the minus strand). VCF-style: chr5-141584183-C-T. GRCh37 (hg19) VCF-style: chr5-140963750-C-T.
Other names: c.316G>A, p.Glu106Lys (NM_001079812.3); c.343G>A, p.Glu115Lys (NM_001314007.2); short protein forms E115K, E106K.
Identifiers: ClinVar variation 286093 (VCV000286093.16), dbSNP rs371994484, ClinGen allele CA3479623.